The following is an entry in ClinVar:

ClinVar aggregate classification (germline): Uncertain significance (1 of 4 stars; one submission).

Allele frequency attached by ClinVar (database versions not stated): gnomAD 0.00001; TOPMed 0.00001.
gnomAD v4.1: 43 of 1,611,258 alleles (0.0027%); highest among the groups gnomAD compares: Middle Eastern, 0.017%; no homozygotes.

Submission:

Labcorp Genetics (formerly Invitae), Labcorp
Classification: Uncertain significance. Last evaluated: 2022-02-09. Review status: criteria provided, single submitter. Criteria: Invitae Variant Classification Sherloc (09022015). Collection method: clinical testing. Allele origin: germline.
Comment: This sequence change replaces isoleucine, which is neutral and non-polar, with valine, which is neutral and non-polar, at codon 375 of the ASNS protein (p.Ile375Val). This variant is present in population databases (rs766097318, gnomAD 0.008%). This variant has not been reported in the literature in individuals affected with ASNS-related conditions. Advanced modeling of protein sequence and biophysical properties (such as structural, functional, and spatial information, amino acid conservation, physicochemical variation, residue mobility, and thermodynamic stability) performed at Invitae indicates that this missense variant is expected to disrupt ASNS protein function. In summary, the available evidence is currently insufficient to determine the role of this variant in disease. Therefore, it has been classified as a Variant of Uncertain Significance.

NM_001673.5(ASNS):c.1123A>G (p.Ile375Val)

Genes: ASNS (asparagine synthetase (glutamine-hydrolyzing); minus strand), CZ1P-ASNS (CZ1P-ASNS readthrough; minus strand). Cytogenetic location: 7q21.3.
Variant type: single nucleotide variant.
Coding change: c.1123A>G on transcript NM_001673.5 (MANE Select); coding-DNA position 1123, A replaced by G.
Protein change: p.Ile375Val; replaces isoleucine 375 with valine.
Molecular consequence: missense variant. On other transcripts: non-coding transcript variant (1).
Genome position (GRCh38, 1-based): chr7:97,855,367, T>C on the plus strand (A>G on the coding strand, the complement: ASNS is on the minus strand). VCF-style: chr7-97855367-T-C. GRCh37 (hg19) VCF-style: chr7-97484679-T-C.
Other names: c.1060A>G, p.Ile354Val (NM_001178075.2); c.874A>G, p.Ile292Val (NM_001178076.2, NM_001178077.1); c.1123A>G, p.Ile375Val (NM_001352496.2, NM_133436.3, NM_183356.4); short protein forms I292V, I354V, I375V.
Identifiers: ClinVar variation 1401391 (VCV001401391.3), dbSNP rs766097318, ClinGen allele CA4354601.
Genomic context (GRCh38, chr7:97,855,367, plus strand): 5'-CTTTTCTTAATATAGCATGAATATCCCTCCACTTCAGAGTGGTTACCTTGTGAAAATATA[T>C]GTAACCCTGCGTAAGTTCATCTGATCCTTCTCCAGAGAAGATCACCACGCTATCTGTGTT-3'
Protein context (NP_001664.3, residues 365-385): EGSDELTQGY[Ile375Val]YFHKAPSPEK